The following is an entry in ClinVar:

NM_005859.5(PURA):c.616_618del (p.Ile206del)

Gene: PURA (purine rich element binding protein A; plus strand). Cytogenetic location: 5q31.3.
Variant type: Deletion.
Coding change: c.616_618del on transcript NM_005859.5 (MANE Select); coding-DNA positions 616 to 618, 3 bases deleted (ATC; older notation c.616_618delATC).
Protein change: p.Ile206del; deletes isoleucine 206.
Molecular consequence: inframe deletion.
Genome position (GRCh38, 1-based): chr5:140,114,797-140,114,799, ATC deleted; deleting any 3 consecutive bases within chr5:140,114,795-140,114,799 gives the same sequence; the c. name uses the placement nearest the transcript's 3' end. VCF-style (leftmost placement, unchanged base first): chr5-140114794-CTCA-C. GRCh37 (hg19) VCF-style: chr5-139494379-CTCA-C.
Other names: short protein forms I206del.
Identifiers: ClinVar variation 421890 (VCV000421890.2), dbSNP rs1064795428, ClinGen allele CA16618128.

ClinVar aggregate classification (germline): Likely pathogenic (1 of 4 stars; one submission).

Submission:

GeneDx
Classification: Likely pathogenic. Last evaluated: 2016-08-10. Review status: criteria provided, single submitter. Criteria: GeneDx Variant Classification (06012015). Collection method: clinical testing. Allele origin: germline. Affected: yes.
Comment: The c.616_618delATC variant in the PURA gene has not been reported previously as a pathogenic variant nor as a benign variant, to our knowledge. The c.616_618delATC variant causes an in-frame deletion of one amino acid residue, denoted p.I206del. This deletion occurs in a region that is conserved across species. In silico analysis predicts this variant is probably damaging to the protein structure/function The c.616_618delATC variant was not observed in approximately 6500 individuals of European and African American ancestry in the NHLBI Exome Sequencing Project, indicating it is not a common benign variant in these populations. The c.616_618delATC variant is a strong candidate for a pathogenic variant, however the possibility it may be a rare benign variant cannot be excluded.